The following is an entry in ClinVar:

NM_001202438.2(EDRF1):c.3528A>G (p.Ser1176=)

Gene: EDRF1 (erythroid differentiation regulatory factor 1; plus strand). Cytogenetic location: 10q26.2.
Variant type: single nucleotide variant.
Coding change: c.3528A>G on transcript NM_001202438.2 (MANE Select); coding-DNA position 3528, A replaced by G.
Protein change: p.Ser1176=; no amino-acid change (serine 1176 retained).
Molecular consequence: synonymous variant. On other transcripts: non-coding transcript variant (3).
Genome position (GRCh38, 1-based): chr10:125,753,828, A>G. VCF-style: chr10-125753828-A-G. GRCh37 (hg19) VCF-style: chr10-127442397-A-G.
Other names: c.3426A>G, p.Ser1142= (NM_015608.3).
Identifiers: ClinVar variation 2640955 (VCV002640955.24), dbSNP rs150588104, ClinGen allele CA5737768.

ClinVar aggregate classification (germline): Likely benign (1 of 4 stars; one submission).

Allele frequency attached by ClinVar (database versions not stated): ESP Exome Variant Server 0.00138; gnomAD 0.00146; TOPMed 0.00164; gnomAD exomes 0.00202; 1000 Genomes Project 30x 0.00219; 1000 Genomes Project 0.00240; ExAC 0.00241.
gnomAD v4.1: 3,210 of 1,613,014 alleles (0.2%); highest among the groups gnomAD compares: Middle Eastern, 1.5%; 14 homozygotes.

Submission:

CeGaT Center for Human Genetics Tuebingen
Classification: Likely benign. Last evaluated: 2023-01-01. Review status: criteria provided, single submitter. Criteria: CeGaT Center For Human Genetics Tuebingen Variant Classification Criteria Version 2. Collection method: clinical testing. Allele origin: germline. Affected: yes. Observed: 1 variant allele.
Comment: EDRF1: BP4, BP7, BS2